The following is an entry in ClinVar:

ClinVar aggregate classification (germline): Pathogenic (1 of 4 stars; one submission).

Conditions:
Autosomal recessive limb-girdle muscular dystrophy type 2B (LGMDR2). Also called: MUSCULAR DYSTROPHY, LIMB-GIRDLE, TYPE 3; Limb-girdle muscular dystrophy, type 2B; Limb-Girdle Muscular Dystrophy Type 2B (LGMD2B); MUSCULAR DYSTROPHY, LIMB-GIRDLE, AUTOSOMAL RECESSIVE 2. Identifiers: Orphanet 268, MedGen C1850889, MONDO:0009676, OMIM 253601.

Submission:

GeniaGeo, Laboratorio Genia
Classification: Pathogenic for Autosomal recessive limb-girdle muscular dystrophy type 2B. Last evaluated: 2019-05-14. Review status: criteria provided, single submitter. Criteria: ACMG Guidelines, 2015. Collection method: clinical testing. Allele origin: germline. Inheritance: Autosomal recessive inheritance. Affected: yes. Observed: 4 variant alleles, 1 compound heterozygote, 3 homozygotes.
Comment: All patients have symptoms of the disease.

NM_001130987.2(DYSF):c.5516_5517dup (p.Phe1840fs)

Gene: DYSF (dysferlin; plus strand). Cytogenetic location: 2p13.2.
Variant type: Duplication.
Coding change: c.5516_5517dup on transcript NM_001130987.2 (MANE Select); coding-DNA positions 5516 to 5517, 2 bases duplicated (CC; older notation c.5516_5517dupCC).
Protein change: p.Phe1840fs; shifts the reading frame from phenylalanine 1840.
Molecular consequence: frameshift variant.
Genome position (GRCh38, 1-based): chr2:71,668,812-71,668,813, CC duplicated; duplicating any 2 consecutive bases within chr2:71,668,811-71,668,813 gives the same sequence; the c. name uses the placement nearest the transcript's 3' end. VCF-style (leftmost placement, unchanged base first): chr2-71668810-T-TCC. GRCh37 (hg19) VCF-style: chr2-71895940-T-TCC.
Other names: c.5402_5403dup, p.Phe1802fs (NM_001130455.2); c.5357_5358dup, p.Phe1787fs (NM_001130976.2); c.5420_5421dup, p.Phe1808fs (NM_001130977.2); c.5462_5463dup, p.Phe1822fs (NM_001130978.2); c.5492_5493dup, p.Phe1832fs (NM_001130979.2); c.5450_5451dup, p.Phe1818fs (NM_001130980.2); c.5513_5514dup, p.Phe1839fs (NM_001130981.2); c.5495_5496dup, p.Phe1833fs (NM_001130982.2); and 6 more; short protein forms F1788fs, F1809fs, F1808fs, F1819fs, F1823fs, F1832fs, F1833fs, F1787fs.
Identifiers: ClinVar variation 632557 (VCV000632557.2), dbSNP rs1558783870, ClinGen allele CA913189343.
Genomic context (GRCh38, chr2:71,668,810, plus strand): 5'-GCAGGGGAAGCTGCAGATGTGGGTCGACCTATTTCCGAAGGCCCTGGGGCGGCCTGGACC[T>TCC]CCCTTCAACATCACCCCACGGAGAGCCAGAAGGTGACTTGCCCAGCCACAGGCTCTGAGC-3'